The following is an entry in ClinVar:

NM_207037.2(TCF12):c.920A>T (p.Tyr307Phe)

Gene: TCF12 (transcription factor 12; plus strand). Cytogenetic location: 15q21.3.
Variant type: single nucleotide variant.
Coding change: c.920A>T on transcript NM_207037.2 (MANE Select); coding-DNA position 920, A replaced by T.
Protein change: p.Tyr307Phe; replaces tyrosine 307 with phenylalanine.
Molecular consequence: missense variant.
Genome position (GRCh38, 1-based): chr15:57,232,806, A>T. VCF-style: chr15-57232806-A-T. GRCh37 (hg19) VCF-style: chr15-57525004-A-T.
Other names: c.410A>T, p.Tyr137Phe (NM_001306219.3, NM_207040.2); c.212A>T, p.Tyr71Phe (NM_001306220.3); c.920A>T, p.Tyr307Phe (NM_001322151.2, NM_001322152.2, NM_001322157.3 and 7 more transcripts); c.263A>T, p.Tyr88Phe (NM_001322154.2); c.746A>T, p.Tyr249Phe (NM_001322156.2, NM_001322158.2); c.956A>T, p.Tyr319Phe (NM_001322164.2); short protein forms Y137F, Y249F, Y307F, Y319F, Y71F, Y88F.
Identifiers: ClinVar variation 1702837 (VCV001702837.2), dbSNP rs2151926145, ClinGen allele CA392592870.

ClinVar aggregate classification (germline): Uncertain significance (1 of 4 stars; one submission).

Submission:

GeneDx
Classification: Uncertain significance. Last evaluated: 2022-02-17. Review status: criteria provided, single submitter. Criteria: GeneDx Variant Classification Process June 2021. Collection method: clinical testing. Allele origin: germline. Affected: yes.
Comment: Not observed at significant frequency in large population cohorts (gnomAD); In silico analysis supports that this missense variant does not alter protein structure/function; Has not been previously published as pathogenic or benign to our knowledge